The following is an entry in ClinVar:

NM_000553.6(WRN):c.1616G>A (p.Cys539Tyr)

Gene: WRN (WRN RecQ like helicase; plus strand). Cytogenetic location: 8p12.
Variant type: single nucleotide variant.
Coding change: c.1616G>A on transcript NM_000553.6 (MANE Select); coding-DNA position 1616, G replaced by A.
Protein change: p.Cys539Tyr; replaces cysteine 539 with tyrosine.
Molecular consequence: missense variant.
Genome position (GRCh38, 1-based): chr8:31,088,929, G>A. VCF-style: chr8-31088929-G-A. GRCh37 (hg19) VCF-style: chr8-30946445-G-A.
Other names: short protein forms C539Y.
Identifiers: ClinVar variation 1978586 (VCV001978586.4), dbSNP rs1585438178, ClinGen allele CA370926326.
Genomic context (GRCh38, chr8:31,088,929, plus strand): 5'-CACATTTTATTTTATTTCCAGACTTTTTGTGGCCAGCACCCAATGAAGAGCAAGTTACTT[G>A]CCTCAAGATGTACTTTGGCCATTCCAGTTTTAAACCGTGAGTATAATCTCATTTAATCAA-3'
Protein context (NP_000544.2, residues 529-549): WPAPNEEQVT[Cys539Tyr]LKMYFGHSSF

ClinVar aggregate classification (germline): Uncertain significance (1 of 4 stars; one submission).

Conditions:
Werner syndrome (WRN). Identifiers: Orphanet 902, MedGen C0043119, MONDO:0010196, OMIM 277700.

Submission:

Labcorp Genetics (formerly Invitae), Labcorp
Classification: Uncertain significance for Werner syndrome. Last evaluated: 2022-02-03. Review status: criteria provided, single submitter. Criteria: Invitae Variant Classification Sherloc (09022015). Collection method: clinical testing. Allele origin: germline.
Comment: In summary, the available evidence is currently insufficient to determine the role of this variant in disease. Therefore, it has been classified as a Variant of Uncertain Significance. Algorithms developed to predict the effect of missense changes on protein structure and function are either unavailable or do not agree on the potential impact of this missense change (SIFT: "Not Available"; PolyPhen-2: "Possibly Damaging"; Align-GVGD: "Not Available"). This variant has not been reported in the literature in individuals affected with WRN-related conditions. This variant is not present in population databases (gnomAD no frequency). This sequence change replaces cysteine, which is neutral and slightly polar, with tyrosine, which is neutral and polar, at codon 539 of the WRN protein (p.Cys539Tyr).